The following is an entry in ClinVar:

ClinVar aggregate classification (germline): Benign/Likely benign. Review status: criteria provided, multiple submitters, no conflicts (2 of 4 stars). 8 submissions from 8 submitters: Benign (1); Likely benign (7). Last evaluated 2026-06-08.

Conditions:
Cardiovascular phenotype. Identifiers: MedGen CN230736.

Allele frequency attached by ClinVar (database versions not stated): ESP Exome Variant Server 0.00142; gnomAD 0.00225 and 0.00230; 1000 Genomes Project 0.00359; 1000 Genomes Project 30x 0.00422.
gnomAD v4.1: 764 of 1,612,592 alleles (0.047%); highest among the groups gnomAD compares: African/African-American, 0.81%; 7 homozygotes.

Submissions (8):

Women's Health and Genetics/Laboratory Corporation of America, LabCorp
Classification: Likely benign. Last evaluated: 2026-06-08. Review status: criteria provided, single submitter. Criteria: LabCorp Variant Classification Summary - May 2015. Collection method: clinical testing. Allele origin: germline.

CeGaT Center for Human Genetics Tuebingen
Classification: Likely benign. Last evaluated: 2026-02-01. Review status: criteria provided, single submitter. Criteria: CeGaT Center For Human Genetics Tuebingen Variant Classification Criteria Version 2. Collection method: clinical testing. Allele origin: germline. Affected: yes. Observed: 1 variant allele.
Comment: TNXB: BP4, BP7

Labcorp Genetics (formerly Invitae), Labcorp
Classification: Benign. Last evaluated: 2026-01-31. Review status: criteria provided, single submitter. Criteria: Invitae Variant Classification Sherloc (09022015). Collection method: clinical testing. Allele origin: germline.

Mayo Clinic Laboratories, Mayo Clinic
Classification: Likely benign. Last evaluated: 2025-07-18. Review status: criteria provided, single submitter. Criteria: ACMG Guidelines, 2015. Collection method: clinical testing. Allele origin: germline. Observed: 2 variant alleles.
Comment: BS1, BP4, BP7

Blueprint Genetics
Classification: Likely benign. Last evaluated: 2024-11-01. Review status: criteria provided, single submitter. Criteria: ACMG Guidelines, 2015. Collection method: clinical testing. Allele origin: germline.

GeneDx
Classification: Likely benign. Last evaluated: 2021-10-18. Review status: criteria provided, single submitter. Criteria: GeneDx Variant Classification Process June 2021. Collection method: clinical testing. Allele origin: germline. Affected: yes.

Ambry Genetics
Classification: Likely benign for Cardiovascular phenotype. Last evaluated: 2020-05-06. Review status: criteria provided, single submitter. Criteria: Ambry Variant Classification Scheme 2023. Collection method: clinical testing. Allele origin: germline.

Breakthrough Genomics
Classification: Likely benign. Review status: criteria provided, single submitter. Criteria: ACMG Guidelines, 2015. Collection method: not provided. Allele origin: germline. Inheritance: Autosomal recessive inheritance. Affected: yes.

NM_001365276.2(TNXB):c.4353G>A (p.Pro1451=)

Gene: TNXB (tenascin XB; minus strand). Cytogenetic location: 6p21.33.
Variant type: single nucleotide variant.
Coding change: c.4353G>A on transcript NM_001365276.2 (MANE Select); coding-DNA position 4353, G replaced by A.
Protein change: p.Pro1451=; no amino-acid change (proline 1451 retained).
Molecular consequence: synonymous variant.
Genome position (GRCh38, 1-based): chr6:32,079,055, C>T on the plus strand (G>A on the coding strand, the complement: TNXB is on the minus strand). VCF-style: chr6-32079055-C-T. GRCh37 (hg19) VCF-style: chr6-32046832-C-T.
Other names: p.Pro1451=; c.4353G>A, p.Pro1451= (NM_019105.8).
Identifiers: ClinVar variation 1203455 (VCV001203455.16), dbSNP rs61998180, ClinGen allele CA3734971.